The following is an entry in ClinVar:

ClinVar aggregate classification (germline): Uncertain significance (1 of 4 stars; one submission).

Allele frequency attached by ClinVar (database versions not stated): TOPMed below 0.00001; gnomAD exomes 0.00001; ExAC 0.00002.
gnomAD v4.1: 13 of 1,614,076 alleles (0.00081%); highest among the groups gnomAD compares: East Asian, 0.0022%; no homozygotes.

Submission:

Labcorp Genetics (formerly Invitae), Labcorp
Classification: Uncertain significance. Last evaluated: 2022-05-20. Review status: criteria provided, single submitter. Criteria: Invitae Variant Classification Sherloc (09022015). Collection method: clinical testing. Allele origin: germline.
Comment: In summary, the available evidence is currently insufficient to determine the role of this variant in disease. Therefore, it has been classified as a Variant of Uncertain Significance. Algorithms developed to predict the effect of missense changes on protein structure and function are either unavailable or do not agree on the potential impact of this missense change (SIFT: "Deleterious"; PolyPhen-2: "Probably Damaging"; Align-GVGD: "Class C0"). This variant has not been reported in the literature in individuals affected with HPSE2-related conditions. This variant is present in population databases (rs748636374, gnomAD 0.003%). This sequence change replaces arginine, which is basic and polar, with glutamine, which is neutral and polar, at codon 506 of the HPSE2 protein (p.Arg506Gln).

NM_021828.5(HPSE2):c.1517G>A (p.Arg506Gln)

Gene: HPSE2 (heparanase 2 (inactive); minus strand). Cytogenetic location: 10q24.2.
Variant type: single nucleotide variant.
Coding change: c.1517G>A on transcript NM_021828.5 (MANE Select); coding-DNA position 1517, G replaced by A.
Protein change: p.Arg506Gln; replaces arginine 506 with glutamine.
Molecular consequence: missense variant.
Genome position (GRCh38, 1-based): chr10:98,482,732, C>T on the plus strand (G>A on the coding strand, the complement: HPSE2 is on the minus strand). VCF-style: chr10-98482732-C-T. GRCh37 (hg19) VCF-style: chr10-100242489-C-T.
Other names: c.1517G>A, p.Arg506Gln (NM_001166246.1); c.1343G>A, p.Arg448Gln (NM_001166244.1); c.1181G>A, p.Arg394Gln (NM_001166245.1); short protein forms R506Q, R448Q, R394Q.
Identifiers: ClinVar variation 2148269 (VCV002148269.4), dbSNP rs748636374, ClinGen allele CA5639670.
Genomic context (GRCh38, chr10:98,482,732, plus strand): 5'-AGGTACTGGTGAACCAGCTTGTCTCTGAGAGTCCCAGCCAGCTTGATTTTCTTTCTTGAT[C>T]GATGCAAGTTGATGATAAAAAGTGTAATGGACCCACGAACGTAGTTGTGGCTGAGATCCA-3'
Protein context (NP_068600.4, residues 496-516): SITLFIINLH[Arg506Gln]SRKKIKLAGT